The following is an entry in ClinVar:

ClinVar aggregate classification (germline): Likely benign. Review status: criteria provided, single submitter (1 of 4 stars). 2 submissions from 2 submitters: Likely benign (1). 1 of the submissions does not count toward it. Last evaluated 2019-09-30.

Conditions:
LOXHD1-related disorder. Also called: LOXHD1-related condition.

Allele frequency attached by ClinVar (database versions not stated): gnomAD 0.00001; gnomAD exomes 0.00001; TOPMed 0.00003; ESP Exome Variant Server 0.00022.
gnomAD v4.1: 21 of 1,551,618 alleles (0.0014%); highest among the groups gnomAD compares: Non-Finnish European, 0.0017%; no homozygotes.

Submissions (2):

Blueprint Genetics
Classification: Likely benign. Last evaluated: 2019-09-30. Review status: criteria provided, single submitter. Criteria: ACMG Guidelines, 2015. Collection method: clinical testing. Allele origin: germline.

PreventionGenetics, part of Exact Sciences
Classification: Likely benign for LOXHD1-related condition. Last evaluated: 2019-06-27. Review status: no assertion criteria provided. Collection method: clinical testing. Allele origin: germline. Not counted in ClinVar's aggregate classification.
Comment: This variant is classified as likely benign based on ACMG/AMP sequence variant interpretation guidelines (Richards et al. 2015 PMID: 25741868, with internal and published modifications).

NM_001384474.1(LOXHD1):c.5247C>T (p.Ala1749=)

Gene: LOXHD1 (lipoxygenase homology PLAT domains 1; minus strand). Cytogenetic location: 18q21.1.
Variant type: single nucleotide variant.
Coding change: c.5247C>T on transcript NM_001384474.1 (MANE Select); coding-DNA position 5247, C replaced by T.
Protein change: p.Ala1749=; no amino-acid change (alanine 1749 retained).
Molecular consequence: synonymous variant. On other transcripts: intron variant (1).
Genome position (GRCh38, 1-based): chr18:46,521,121, G>A on the plus strand (C>T on the coding strand, the complement: LOXHD1 is on the minus strand). VCF-style: chr18-46521121-G-A. GRCh37 (hg19) VCF-style: chr18-44101084-G-A.
Other names: c.1914C>T, p.Ala638= (NM_001145472.3); c.1626C>T, p.Ala542= (NM_001308013.2); c.5085+980C>T (NM_144612.7).
Identifiers: ClinVar variation 3043342 (VCV003043342.3), dbSNP rs367815392, ClinGen allele CA299800687.
Genomic context (GRCh38, chr18:46,521,121, plus strand): 5'-TGGCCATGCACTGCACACTCACAGTGCCCCCCCTACCTTCACCCCAATGTTCACCACCAT[G>A]GCATCCAAGAGGTCGAAGACACGGGAGGTGATGCCGTCGCCTCTGTCCTTGGCCAGCCAG-3'
Protein context (NP_001371403.1, residues 1739-1759): ITSRVFDLLD[Ala1749=]MVVNIGVKVL